The following is an entry in ClinVar:

NM_001122681.2(SH3BP2):c.1654C>G (p.Arg552Gly)

Gene: SH3BP2 (SH3 domain binding protein 2; plus strand). Cytogenetic location: 4p16.3.
Variant type: single nucleotide variant.
Coding change: c.1654C>G on transcript NM_001122681.2 (MANE Select); coding-DNA position 1654, C replaced by G.
Protein change: p.Arg552Gly; replaces arginine 552 with glycine.
Molecular consequence: missense variant.
Genome position (GRCh38, 1-based): chr4:2,833,802, C>G. VCF-style: chr4-2833802-C-G. GRCh37 (hg19) VCF-style: chr4-2835529-C-G.
Other names: c.1738C>G, p.Arg580Gly (LRG_1334t2, NM_001145855.2); c.1825C>G, p.Arg609Gly (NM_001145856.2); c.1654C>G, p.Arg552Gly (NM_003023.4, LRG_1334t1); short protein forms R609G, R552G, R580G.
Identifiers: ClinVar variation 647983 (VCV000647983.7), dbSNP rs151048521, ClinGen allele CA2819651.

ClinVar aggregate classification (germline): Uncertain significance. Review status: criteria provided, multiple submitters, no conflicts (2 of 4 stars). 2 submissions from 2 submitters: Uncertain significance (2). Last evaluated 2025-10-15.

Conditions:
Fibrous dysplasia of jaw (CRBM). Also called: Cherubism. Identifiers: Orphanet 184, MedGen C0008029, MONDO:0007315, OMIM 118400.
Inborn genetic diseases. Identifiers: MedGen C0950123, MeSH D030342.

Allele frequency attached by ClinVar (database versions not stated): TOPMed 0.00001.
gnomAD v4.1: 6 of 1,590,116 alleles (0.00038%); highest among the groups gnomAD compares: African/African-American, 0.0054%; no homozygotes.

Submissions (2):

Labcorp Genetics (formerly Invitae), Labcorp
Classification: Uncertain significance for Fibrous dysplasia of jaw. Last evaluated: 2025-10-15. Review status: criteria provided, single submitter. Criteria: Invitae Variant Classification Sherloc (09022015). Collection method: clinical testing. Allele origin: germline.
Comment: This sequence change replaces arginine, which is basic and polar, with glycine, which is neutral and non-polar, at codon 552 of the SH3BP2 protein (p.Arg552Gly). This variant is present in population databases (rs151048521, gnomAD 0.01%). This variant has not been reported in the literature in individuals affected with SH3BP2-related conditions. ClinVar contains an entry for this variant (Variation ID: 647983). Invitae Evidence Modeling of protein sequence and biophysical properties (such as structural, functional, and spatial information, amino acid conservation, physicochemical variation, residue mobility, and thermodynamic stability) indicates that this missense variant is not expected to disrupt SH3BP2 protein function with a negative predictive value of 95%. In summary, the available evidence is currently insufficient to determine the role of this variant in disease. Therefore, it has been classified as a Variant of Uncertain Significance.

Ambry Genetics
Classification: Uncertain significance for Inborn genetic diseases. Last evaluated: 2022-08-02. Review status: criteria provided, single submitter. Criteria: Ambry Variant Classification Scheme 2023. Collection method: clinical testing. Allele origin: germline.